The following is an entry in ClinVar:

ClinVar aggregate classification (germline): Conflicting classifications of pathogenicity. Review status: criteria provided, conflicting classifications (1 of 4 stars). 2 submissions from 2 submitters: Uncertain significance (1); Likely benign (1). Last evaluated 2025-10-16.

Conditions:
Hereditary cancer-predisposing syndrome. Also called: Hereditary neoplastic syndrome; Tumor predisposition; Neoplastic Syndromes, Hereditary; Hereditary Cancer Syndrome. Identifiers: Orphanet 140162, MedGen C0027672, MeSH D009386, MONDO:0015356.
Bloom syndrome (BLM). Also called: Bloom-Torre-Machacek syndrome. Identifiers: Orphanet 125, MedGen C0005859, MONDO:0008876, OMIM 210900.

Allele frequency attached by ClinVar (database versions not stated): gnomAD exomes below 0.00001.

Submissions (2):

Labcorp Genetics (formerly Invitae), Labcorp
Classification: Likely benign for Bloom syndrome. Last evaluated: 2025-10-16. Review status: criteria provided, single submitter. Criteria: Invitae Variant Classification Sherloc (09022015). Collection method: clinical testing. Allele origin: germline.

Ambry Genetics
Classification: Uncertain significance for Hereditary cancer-predisposing syndrome. Last evaluated: 2023-11-15. Review status: criteria provided, single submitter. Criteria: Ambry Variant Classification Scheme 2023. Collection method: clinical testing. Allele origin: germline.
Comment: The c.3786A>G variant (also known as p.Q1262Q), located in coding exon 19 of the BLM gene, results from an A to G substitution at nucleotide position 3786. This nucleotide substitution does not change the glutamine at codon 1262. This nucleotide position is poorly conserved in available vertebrate species. In silico splice site analysis predicts that this alteration may result in the creation or strengthening of a novel splice acceptor site. Since supporting evidence is limited at this time, the clinical significance of this alteration remains unclear.

NM_000057.4(BLM):c.3786A>G (p.Gln1262=)

Gene: BLM (BLM RecQ like helicase; plus strand). Cytogenetic location: 15q26.1.
Variant type: single nucleotide variant.
Coding change: c.3786A>G on transcript NM_000057.4 (MANE Select); coding-DNA position 3786, A replaced by G.
Protein change: p.Gln1262=; no amino-acid change (glutamine 1262 retained).
Molecular consequence: synonymous variant.
Genome position (GRCh38, 1-based): chr15:90,809,171, A>G. VCF-style: chr15-90809171-A-G. GRCh37 (hg19) VCF-style: chr15-91352401-A-G.
Other names: c.3786A>G, p.Gln1262= (NM_001287246.2); c.3393A>G, p.Gln1131= (NM_001287247.2); c.2661A>G, p.Gln887= (NM_001287248.2).
Identifiers: ClinVar variation 1504262 (VCV001504262.10), dbSNP rs1567065650, ClinGen allele CA492157338.
Genomic context (GRCh38, chr15:90,809,171, plus strand): 5'-ATTCCTAATTTTATGCCTTTGCACAGAATCTTTATCTTCTGATCCTGAGGTTTTGCTTCA[A>G]ATTGATGGTGTTACTGAAGACAAACTGGAAAAATATGGTGCGGAAGTGATTTCAGTATTA-3'
Protein context (NP_000048.1, residues 1252-1272): SLSSDPEVLL[Gln1262=]IDGVTEDKLE